The following is an entry in ClinVar:

ClinVar aggregate classification (germline): Conflicting classifications of pathogenicity. Review status: criteria provided, conflicting classifications (1 of 4 stars). 3 submissions from 3 submitters: Uncertain significance (1); Likely benign (2). Last evaluated 2025-11-18.

Conditions:
SH3PXD2B-related disorder. Also called: SH3PXD2B-related condition.

Allele frequency attached by ClinVar (database versions not stated): ESP Exome Variant Server 0.00008; gnomAD 0.00009 and 0.00011; TOPMed 0.00017.

Submissions (3):

Labcorp Genetics (formerly Invitae), Labcorp
Classification: Likely benign. Last evaluated: 2025-11-18. Review status: criteria provided, single submitter. Criteria: Invitae Variant Classification Sherloc (09022015). Collection method: clinical testing. Allele origin: germline.

PreventionGenetics, part of Exact Sciences
Classification: Likely benign for SH3PXD2B-related condition. Last evaluated: 2025-09-04. Review status: criteria provided, single submitter. Criteria: ACMG Guidelines, 2015. Collection method: clinical testing. Allele origin: germline.
Comment: This variant is classified as likely benign based on ACMG/AMP sequence variant interpretation guidelines (Richards et al. 2015 PMID: 25741868, with internal and published modifications).

Eurofins Ntd Llc (ga)
Classification: Uncertain significance. Last evaluated: 2015-08-24. Review status: criteria provided, single submitter. Criteria: EGL Classification Definitions 2015. Collection method: clinical testing. Allele origin: germline. Observed: 1 variant allele, 1 heterozygote.

NM_001017995.3(SH3PXD2B):c.1398C>T (p.Pro466=)

Gene: SH3PXD2B (SH3 and PX domains 2B; minus strand). Cytogenetic location: 5q35.1.
Variant type: single nucleotide variant.
Coding change: c.1398C>T on transcript NM_001017995.3 (MANE Select); coding-DNA position 1398, C replaced by T.
Protein change: p.Pro466=; no amino-acid change (proline 466 retained).
Molecular consequence: synonymous variant. On other transcripts: intron variant (1).
Genome position (GRCh38, 1-based): chr5:172,339,707, G>A on the plus strand (C>T on the coding strand, the complement: SH3PXD2B is on the minus strand). VCF-style: chr5-172339707-G-A. GRCh37 (hg19) VCF-style: chr5-171766711-G-A.
Other names: c.1188+6429C>T (NM_001308175.2).
Identifiers: ClinVar variation 282081 (VCV000282081.17), dbSNP rs140209484, ClinGen allele CA3561194.